The following is an entry in ClinVar:

ClinVar aggregate classification (germline): Uncertain significance (1 of 4 stars; one submission).

Allele frequency attached by ClinVar (database versions not stated): gnomAD exomes below 0.00001; ExAC 0.00001; gnomAD 0.00001.
gnomAD v4.1: 5 of 1,613,882 alleles (0.00031%); highest among the groups gnomAD compares: Admixed American, 0.0017%; no homozygotes.

Submission:

Labcorp Genetics (formerly Invitae), Labcorp
Classification: Uncertain significance. Last evaluated: 2023-02-08. Review status: criteria provided, single submitter. Criteria: Invitae Variant Classification Sherloc (09022015). Collection method: clinical testing. Allele origin: germline.
Comment: This sequence change replaces threonine, which is neutral and polar, with isoleucine, which is neutral and non-polar, at codon 1616 of the KMT2E protein (p.Thr1616Ile). This variant is present in population databases (rs752126578, gnomAD 0.003%). This variant has not been reported in the literature in individuals affected with KMT2E-related conditions. Algorithms developed to predict the effect of missense changes on protein structure and function (SIFT, PolyPhen-2, Align-GVGD) all suggest that this variant is likely to be tolerated. In summary, the available evidence is currently insufficient to determine the role of this variant in disease. Therefore, it has been classified as a Variant of Uncertain Significance.

NM_182931.3(KMT2E):c.4847C>T (p.Thr1616Ile)

Gene: KMT2E (lysine methyltransferase 2E (inactive); plus strand). Cytogenetic location: 7q22.3.
Variant type: single nucleotide variant.
Coding change: c.4847C>T on transcript NM_182931.3 (MANE Select); coding-DNA position 4847, C replaced by T.
Protein change: p.Thr1616Ile; replaces threonine 1616 with isoleucine.
Molecular consequence: missense variant.
Genome position (GRCh38, 1-based): chr7:105,112,603, C>T. VCF-style: chr7-105112603-C-T. GRCh37 (hg19) VCF-style: chr7-104753050-C-T.
Other names: c.4721C>T, p.Thr1574Ile (NM_001410908.1); c.4847C>T, p.Thr1616Ile (NM_018682.4); short protein forms T1574I, T1616I.
Identifiers: ClinVar variation 2793531 (VCV002793531.3), dbSNP rs752126578, ClinGen allele CA4424837.